The following is an entry in ClinVar:

NM_001127222.2(CACNA1A):c.3634G>T (p.Asp1212Tyr)

Gene: CACNA1A (calcium voltage-gated channel subunit alpha1 A; minus strand). Cytogenetic location: 19p13.13.
Variant type: single nucleotide variant.
Coding change: c.3634G>T on transcript NM_001127222.2 (MANE Select); coding-DNA position 3634, G replaced by T.
Protein change: p.Asp1212Tyr; replaces aspartic acid 1212 with tyrosine.
Molecular consequence: missense variant.
Genome position (GRCh38, 1-based): chr19:13,285,126, C>A on the plus strand (G>T on the coding strand, the complement: CACNA1A is on the minus strand). VCF-style: chr19-13285126-C-A. GRCh37 (hg19) VCF-style: chr19-13395940-C-A.
Other names: c.3646G>T, p.Asp1216Tyr (NM_000068.4, NM_023035.3); c.3637G>T, p.Asp1213Tyr (NM_001127221.2, NM_001174080.2); short protein forms D1213Y, D1216Y, D1212Y.
Identifiers: ClinVar variation 432567 (VCV000432567.14), dbSNP rs201269793, ClinGen allele CA305563164.

ClinVar aggregate classification (germline): Conflicting classifications of pathogenicity. Review status: criteria provided, conflicting classifications (1 of 4 stars). 4 submissions from 4 submitters: Uncertain significance (2); Likely benign (2). Last evaluated 2025-04-09.

Conditions:
Migraine, familial hemiplegic, 1. Also called: MIGRAINE, FAMILIAL HEMIPLEGIC 1, WITH PROGRESSIVE CEREBELLAR ATAXIA. Identifiers: Orphanet 569, MedGen C1832884, MONDO:0020756, OMIM 141500, MONDO:0007714.
Episodic ataxia type 2 (EA2). Also called: ATAXIA, EPISODIC, WITH NYSTAGMUS; ATAXIA, FAMILIAL PAROXYSMAL; ACETAZOLAMIDE-RESPONSIVE HEREDITARY PAROXYSMAL CEREBELLAR ATAXIA; EPISODIC ATAXIA, NYSTAGMUS-ASSOCIATED; CEREBELLAR ATAXIA, PAROXYSMAL, ACETAZOLAMIDE-RESPONSIVE; CEREBELLOPATHY, HEREDITARY PAROXYSMAL. Identifiers: Orphanet 97, MedGen C1720416, MONDO:0007163, OMIM 108500.
Spinocerebellar ataxia type 6 (SCA6). Identifiers: Orphanet 98758, MedGen C0752124, MONDO:0008457, OMIM 183086.
Developmental and epileptic encephalopathy, 42 (DEE42A). Also called: DEVELOPMENTAL AND EPILEPTIC ENCEPHALOPATHY 42A; EPILEPTIC ENCEPHALOPATHY, EARLY INFANTILE, 42A; Epileptic encephalopathy, early infantile, 42. Identifiers: MedGen C4310716, MONDO:0014917, OMIM 617106.
Inborn genetic diseases. Identifiers: MedGen C0950123, MeSH D030342.

Allele frequency attached by ClinVar (database versions not stated): gnomAD exomes 0.00002 and 0.00003; TOPMed 0.00006; gnomAD 0.00008.
gnomAD v4.1: 46 of 1,613,858 alleles (0.0029%); highest among the groups gnomAD compares: Admixed American, 0.022%; no homozygotes.

Submissions (4):

Labcorp Genetics (formerly Invitae), Labcorp
Classification: Likely benign for Developmental and epileptic encephalopathy, 42; Episodic ataxia type 2. Last evaluated: 2025-04-09. Review status: criteria provided, single submitter. Criteria: Invitae Variant Classification Sherloc (09022015). Collection method: clinical testing. Allele origin: germline.

Ambry Genetics
Classification: Likely benign for Inborn genetic diseases. Last evaluated: 2023-08-28. Review status: criteria provided, single submitter. Criteria: Ambry Variant Classification Scheme 2023. Collection method: clinical testing. Allele origin: germline.

GeneDx
Classification: Uncertain significance. Last evaluated: 2023-02-05. Review status: criteria provided, single submitter. Criteria: GeneDx Variant Classification Process June 2021. Collection method: clinical testing. Allele origin: germline. Affected: yes.
Comment: In silico analysis supports that this missense variant has a deleterious effect on protein structure/function; Has not been previously published as pathogenic or benign to our knowledge

Fulgent Genetics
Classification: Uncertain significance for Episodic ataxia type 2; Migraine, familial hemiplegic, 1; Spinocerebellar ataxia type 6; Developmental and epileptic encephalopathy, 42. Last evaluated: 2018-10-31. Review status: criteria provided, single submitter. Criteria: ACMG Guidelines, 2015. Collection method: clinical testing. Allele origin: unknown.